The following is an entry in ClinVar:

NM_002474.3(MYH11):c.3042dup (p.Leu1015fs)

Gene: MYH11 (myosin heavy chain 11; minus strand). Cytogenetic location: 16p13.11.
Variant type: Duplication.
Coding change: c.3042dup on transcript NM_002474.3 (MANE Select); coding-DNA position 3042, one base duplicated (T; older notation c.3042dupT).
Protein change: p.Leu1015fs; shifts the reading frame from leucine 1015.
Molecular consequence: frameshift variant.
Genome position (GRCh38, 1-based): chr16:15,738,644, A duplicated on the plus strand (T on the coding strand, the reverse complement: MYH11 is on the minus strand). VCF-style (leftmost placement, unchanged base first): chr16-15738643-G-GA. GRCh37 (hg19) VCF-style: chr16-15832500-G-GA.
Other names: c.3063dup, p.Leu1022fs (NM_001040113.2, NM_001040114.2); c.3042dup, p.Leu1015fs (NM_022844.3); short protein forms L1022fs, L1015fs.
Identifiers: ClinVar variation 3644106 (VCV003644106.2).

ClinVar aggregate classification (germline): Pathogenic (1 of 4 stars; one submission).

Conditions:
Aortic aneurysm, familial thoracic 4 (AAT4). Also called: AORTIC ANEURYSM/AORTIC DISSECTION AND PATENT DUCTUS ARTERIOSUS. Identifiers: MedGen C1851504, MONDO:0007568, OMIM 132900.

Submission:

Labcorp Genetics (formerly Invitae), Labcorp
Classification: Pathogenic for Aortic aneurysm, familial thoracic 4. Last evaluated: 2024-03-02. Review status: criteria provided, single submitter. Criteria: Invitae Variant Classification Sherloc (09022015). Collection method: clinical testing. Allele origin: germline.
Comment: This sequence change creates a premature translational stop signal (p.Leu1022Serfs*19) in the MYH11 gene. It is expected to result in an absent or disrupted protein product. Loss-of-function variants in MYH11 are known to be pathogenic (PMID: 25407000, 29575632). This variant is not present in population databases (gnomAD no frequency). This variant has not been reported in the literature in individuals affected with MYH11-related conditions. For these reasons, this variant has been classified as Pathogenic.

Literature cited by the submitters: PubMed 25407000; PubMed 29575632.